The following is an entry in ClinVar:

NM_003482.4(KMT2D):c.16013G>A (p.Cys5338Tyr)

Gene: KMT2D (lysine methyltransferase 2D; minus strand). Cytogenetic location: 12q13.12.
Variant type: single nucleotide variant.
Coding change: c.16013G>A on transcript NM_003482.4 (MANE Select); coding-DNA position 16013, G replaced by A.
Protein change: p.Cys5338Tyr; replaces cysteine 5338 with tyrosine.
Molecular consequence: missense variant.
Genome position (GRCh38, 1-based): chr12:49,024,617, C>T on the plus strand (G>A on the coding strand, the complement: KMT2D is on the minus strand). VCF-style: chr12-49024617-C-T. GRCh37 (hg19) VCF-style: chr12-49418400-C-T.
Other names: short protein forms C5338Y.
Identifiers: ClinVar variation 1456577 (VCV001456577.8), dbSNP rs2137710573, ClinGen allele CA384681332.
Genomic context (GRCh38, chr12:49,024,617, plus strand): 5'-GCTCCAGCATCACAAGCTCACCGTTTGTAGTGTGTGAGGATTTTAGGCTCTGATCGGGCA[C>T]AGCCAGTGGGGTTGATCATGAGTGGCAGCTCCATAAGGGGGTGGCGCCCATAGCGGAATA-3'
Protein context (NP_003473.3, residues 5328-5348): ELPLMINPTG[Cys5338Tyr]ARSEPKILTH

ClinVar aggregate classification (germline): Pathogenic (1 of 4 stars; one submission).

Conditions:
Kabuki syndrome. Also called: Kabuki make-up syndrome; NIIKAWA-KUROKI SYNDROME. Identifiers: Orphanet 2322, MedGen C0796004, MONDO:0016512.

Submission:

Labcorp Genetics (formerly Invitae), Labcorp
Classification: Pathogenic for Kabuki syndrome. Last evaluated: 2021-06-30. Review status: criteria provided, single submitter. Criteria: Invitae Variant Classification Sherloc (09022015). Collection method: clinical testing. Allele origin: germline.
Comment: This sequence change replaces cysteine with tyrosine at codon 5338 of the KMT2D protein (p.Cys5338Tyr). The cysteine residue is moderately conserved and there is a large physicochemical difference between cysteine and tyrosine. This variant is not present in population databases (ExAC no frequency). This variant has been observed in individual(s) with clinical features of Kabuki syndrome (Invitae). In at least one individual the variant was observed to be de novo. Advanced modeling of protein sequence and biophysical properties (such as structural, functional, and spatial information, amino acid conservation, physicochemical variation, residue mobility, and thermodynamic stability) performed at Invitae indicates that this missense variant is expected to disrupt KMT2D protein function. For these reasons, this variant has been classified as Pathogenic.